The following is an entry in ClinVar:

NM_001385641.1(SAMD11):c.2084AGG[1] (p.Glu696del)

Genes: SAMD11 (sterile alpha motif domain containing 11; plus strand), LOC129929063 (ATAC-STARR-seq lymphoblastoid active region 4; plus strand). Cytogenetic location: 1p36.33.
Variant type: Microsatellite.
Coding change: c.2084AGG[1] on transcript NM_001385641.1 (MANE Select); one copy of the 3-base unit AGG starting at c.2084; the reference has two copies in a row; one copy, 3 bases deleted.
Protein change: p.Glu696del; deletes glutamic acid 696.
Molecular consequence: inframe deletion.
Genome position (GRCh38, 1-based): chr1:943,286-943,288, AGG deleted; deleting any 3 consecutive bases within chr1:943,281-943,288 gives the same sequence; the position shown is the placement nearest the transcript's 3' end. VCF-style (leftmost placement, unchanged base first): chr1-943280-GGGA-G. GRCh37 (hg19) VCF-style: chr1-878660-GGGA-G.
Other names: c.2087AGG[1], p.Glu697del (NM_001385640.1); c.1595AGG[1], p.Glu533del (NM_152486.4); short protein forms E533del, E696del, E697del.
Identifiers: ClinVar variation 943368 (VCV000943368.9), dbSNP rs779142409, ClinGen allele CA503135.

ClinVar aggregate classification (germline): Uncertain significance (1 of 4 stars; one submission).

Submission:

Labcorp Genetics (formerly Invitae), Labcorp
Classification: Uncertain significance. Last evaluated: 2022-03-03. Review status: criteria provided, single submitter. Criteria: Invitae Variant Classification Sherloc (09022015). Collection method: clinical testing. Allele origin: germline.
Comment: Experimental studies and prediction algorithms are not available or were not evaluated, and the functional significance of this variant is currently unknown. This variant, c.1598_1600del, results in the deletion of 1 amino acid(s) of the SAMD11 protein (p.Glu533del), but otherwise preserves the integrity of the reading frame. This variant is present in population databases (rs779142409, gnomAD 0.005%). This variant has not been reported in the literature in individuals affected with SAMD11-related conditions. ClinVar contains an entry for this variant (Variation ID: 943368). In summary, the available evidence is currently insufficient to determine the role of this variant in disease. Therefore, it has been classified as a Variant of Uncertain Significance.